The following is an entry in ClinVar:

NM_001190787.3(MCIDAS):c.86C>A (p.Ala29Glu)

Gene: MCIDAS (multiciliate differentiation and DNA synthesis associated cell cycle protein; minus strand). Cytogenetic location: 5q11.2.
Variant type: single nucleotide variant.
Coding change: c.86C>A on transcript NM_001190787.3 (MANE Select); coding-DNA position 86, C replaced by A.
Protein change: p.Ala29Glu; replaces alanine 29 with glutamic acid.
Molecular consequence: missense variant.
Genome position (GRCh38, 1-based): chr5:55,227,053, G>T on the plus strand (C>A on the coding strand, the complement: MCIDAS is on the minus strand). VCF-style: chr5-55227053-G-T. GRCh37 (hg19) VCF-style: chr5-54522881-G-T.
Other names: short protein forms A29E.
Identifiers: ClinVar variation 1374665 (VCV001374665.8), dbSNP rs1207441843, ClinGen allele CA359734576.

ClinVar aggregate classification (germline): Uncertain significance (1 of 4 stars; one submission).

Conditions:
Primary ciliary dyskinesia. Also called: Ciliary dyskinesia. Identifiers: Orphanet 244, MedGen C0008780, MONDO:0016575, HP:0012265.

Allele frequency attached by ClinVar (database versions not stated): 1000 Genomes Project 30x 0.00031.
gnomAD v4.1: 1 of 1,519,200 alleles (0.000066%); highest among the groups gnomAD compares: Admixed American, 0.002%; no homozygotes.

Submission:

Labcorp Genetics (formerly Invitae), Labcorp
Classification: Uncertain significance for Primary ciliary dyskinesia. Last evaluated: 2021-04-06. Review status: criteria provided, single submitter. Criteria: Invitae Variant Classification Sherloc (09022015). Collection method: clinical testing. Allele origin: germline.
Comment: In summary, the available evidence is currently insufficient to determine the role of this variant in disease. Therefore, it has been classified as a Variant of Uncertain Significance. Algorithms developed to predict the effect of missense changes on protein structure and function (SIFT, PolyPhen-2, Align-GVGD) all suggest that this variant is likely to be tolerated, but these predictions have not been confirmed by published functional studies and their clinical significance is uncertain. This variant has not been reported in the literature in individuals with MCIDAS-related conditions. The frequency data for this variant in the population databases is considered unreliable, as metrics indicate insufficient coverage at this position in the ExAC database. This sequence change replaces alanine with glutamic acid at codon 29 of the MCIDAS protein (p.Ala29Glu). The alanine residue is weakly conserved and there is a moderate physicochemical difference between alanine and glutamic acid.